The following is an entry in ClinVar:

ClinVar aggregate classification (germline): Uncertain significance. Review status: criteria provided, multiple submitters, no conflicts (2 of 4 stars). 2 submissions from 2 submitters: Uncertain significance (2). Last evaluated 2026-01-05.

Conditions:
Inborn genetic diseases. Identifiers: MedGen C0950123, MeSH D030342.

gnomAD v4.1: 2 of 1,613,922 alleles (0.00012%); highest among the groups gnomAD compares: Admixed American, 0.0017%; no homozygotes.

Submissions (2):

Labcorp Genetics (formerly Invitae), Labcorp
Classification: Uncertain significance. Last evaluated: 2026-01-05. Review status: criteria provided, single submitter. Criteria: Invitae Variant Classification Sherloc (09022015). Collection method: clinical testing. Allele origin: germline.
Comment: This sequence change replaces glycine, which is neutral and non-polar, with aspartic acid, which is acidic and polar, at codon 2139 of the FREM2 protein (p.Gly2139Asp). This variant is present in population databases (rs371458568, gnomAD 0.003%). This variant has not been reported in the literature in individuals affected with FREM2-related conditions. ClinVar contains an entry for this variant (Variation ID: 2120370). Invitae Evidence Modeling of protein sequence and biophysical properties (such as structural, functional, and spatial information, amino acid conservation, physicochemical variation, residue mobility, and thermodynamic stability) indicates that this missense variant is expected to disrupt FREM2 protein function with a positive predictive value of 80%. In summary, the available evidence is currently insufficient to determine the role of this variant in disease. Therefore, it has been classified as a Variant of Uncertain Significance.

Ambry Genetics
Classification: Uncertain significance for Inborn genetic diseases. Last evaluated: 2023-11-27. Review status: criteria provided, single submitter. Criteria: Ambry Variant Classification Scheme 2023. Collection method: clinical testing. Allele origin: germline.

NM_207361.6(FREM2):c.6416G>A (p.Gly2139Asp)

Gene: FREM2 (FRAS1 related extracellular matrix 2; plus strand). Cytogenetic location: 13q13.3.
Variant type: single nucleotide variant.
Coding change: c.6416G>A on transcript NM_207361.6 (MANE Select); coding-DNA position 6416, G replaced by A.
Protein change: p.Gly2139Asp; replaces glycine 2139 with aspartic acid.
Molecular consequence: missense variant.
Genome position (GRCh38, 1-based): chr13:38,850,074, G>A. VCF-style: chr13-38850074-G-A. GRCh37 (hg19) VCF-style: chr13-39424211-G-A.
Other names: c.6416G>A (NM_207361.4); short protein forms G2139D.
Identifiers: ClinVar variation 2120370 (VCV002120370.5), dbSNP rs371458568, ClinGen allele CA6955558.